The following is an entry in ClinVar:

ClinVar aggregate classification (germline): Likely benign. Review status: criteria provided, single submitter (1 of 4 stars). 2 submissions from 2 submitters: Likely benign (1). 1 of the submissions does not count toward it. Last evaluated 2026-09-01.

Conditions:
LRP1B-related disorder. Also called: LRP1B-related condition.

Allele frequency attached by ClinVar (database versions not stated): gnomAD 0.00185; TOPMed 0.00190; ExAC 0.00194; gnomAD exomes 0.00247; ESP Exome Variant Server 0.00269; 1000 Genomes Project 30x 0.00125; 1000 Genomes Project 0.00140.
gnomAD v4.1: 3,855 of 1,606,888 alleles (0.24%); highest among the groups gnomAD compares: Non-Finnish European, 0.27%; 7 homozygotes.

Submissions (2):

CeGaT Center for Human Genetics Tuebingen
Classification: Likely benign. Last evaluated: 2026-09-01. Review status: criteria provided, single submitter. Criteria: CeGaT Center For Human Genetics Tuebingen Variant Classification Criteria Version 2. Collection method: clinical testing. Allele origin: germline. Affected: yes. Observed: 1 variant allele.
Comment: LRP1B: BS2

PreventionGenetics, part of Exact Sciences
Classification: Benign for LRP1B-related condition. Last evaluated: 2019-04-02. Review status: no assertion criteria provided. Collection method: clinical testing. Allele origin: germline. Not counted in ClinVar's aggregate classification.
Comment: This variant is classified as benign based on ACMG/AMP sequence variant interpretation guidelines (Richards et al. 2015 PMID: 25741868, with internal and published modifications).

NM_018557.3(LRP1B):c.11447C>T (p.Ala3816Val)

Gene: LRP1B (LDL receptor related protein 1B; minus strand). Cytogenetic location: 2q22.1.
Variant type: single nucleotide variant.
Coding change: c.11447C>T on transcript NM_018557.3 (MANE Select); coding-DNA position 11447, C replaced by T.
Protein change: p.Ala3816Val; replaces alanine 3816 with valine.
Molecular consequence: missense variant.
Genome position (GRCh38, 1-based): chr2:140,356,425, G>A on the plus strand (C>T on the coding strand, the complement: LRP1B is on the minus strand). VCF-style: chr2-140356425-G-A. GRCh37 (hg19) VCF-style: chr2-141113994-G-A.
Other names: short protein forms A3816V.
Identifiers: ClinVar variation 3041748 (VCV003041748.3), dbSNP rs138237325, ClinGen allele CA1893077.